The following is an entry in ClinVar:

NM_002234.4(KCNA5):c.1744C>G (p.Pro582Ala)

Gene: KCNA5 (potassium voltage-gated channel subfamily A member 5; plus strand). Cytogenetic location: 12p13.32.
Variant type: single nucleotide variant.
Coding change: c.1744C>G on transcript NM_002234.4 (MANE Select); coding-DNA position 1744, C replaced by G.
Protein change: p.Pro582Ala; replaces proline 582 with alanine.
Molecular consequence: missense variant.
Genome position (GRCh38, 1-based): chr12:5,045,891, C>G. VCF-style: chr12-5045891-C-G. GRCh37 (hg19) VCF-style: chr12-5155057-C-G.
Other names: short protein forms P582A.
Identifiers: ClinVar variation 3370733 (VCV003370733.1).

ClinVar aggregate classification (germline): Uncertain significance (1 of 4 stars; one submission).

Submission:

GeneDx
Classification: Uncertain significance. Last evaluated: 2024-03-08. Review status: criteria provided, single submitter. Criteria: GeneDx Variant Classification Process June 2021. Collection method: clinical testing. Allele origin: germline. Affected: yes.
Comment: Not observed at significant frequency in large population cohorts (gnomAD); In silico analysis supports that this missense variant does not alter protein structure/function; Has not been previously published as pathogenic or benign to our knowledge